The following is an entry in ClinVar:

ClinVar aggregate classification (germline): Likely pathogenic (1 of 4 stars; one submission).

Conditions:
VPS13B-related disorder. Also called: VPS13B-related condition.

Submission:

PreventionGenetics, part of Exact Sciences
Classification: Likely pathogenic for VPS13B-related condition. Last evaluated: 2026-06-04. Review status: criteria provided, single submitter. Criteria: ACMG Guidelines, 2015. Collection method: clinical testing. Allele origin: germline.
Comment: The VPS13B c.8792+1G>A variant is predicted to disrupt the GT donor site and interfere with normal splicing. To our knowledge, this variant has not been reported in the literature or in a large population database (gnomAD), indicating this variant is rare. Variants that disrupt the consensus splice donor site in VPS13B are expected to be pathogenic. This variant is interpreted as likely pathogenic.

NM_152564.5(VPS13B):c.8792+1G>A

Gene: VPS13B (vacuolar protein sorting 13 homolog B; plus strand). Cytogenetic location: 8q22.2.
Variant type: single nucleotide variant.
Coding change: c.8792+1G>A on transcript NM_152564.5 (MANE Select); the canonical splice donor site of the intron after coding-DNA position 8792, G replaced by A.
Molecular consequence: splice donor variant.
Genome position (GRCh38, 1-based): chr8:99,819,583, G>A. VCF-style: chr8-99819583-G-A. GRCh37 (hg19) VCF-style: chr8-100831811-G-A.
Other names: c.8867+1G>A (NM_017890.5).
Identifiers: ClinVar variation 4991002 (VCV004991002.1).